The following is an entry in ClinVar:

ClinVar aggregate classification (germline): Uncertain significance (1 of 4 stars; one submission).

Conditions:
Developmental and epileptic encephalopathy 94 (DEE94). Also called: Epileptic encephalopathy, childhood-onset; CHD2-Related Neurodevelopmental Disorders. Identifiers: Orphanet 1942, Orphanet 2382, MedGen C3809278, MONDO:0014150, OMIM 615369.

gnomAD v4.1: 12 of 1,613,074 alleles (0.00074%); highest among the groups gnomAD compares: African/African-American, 0.0013%; no homozygotes.

Submission:

Labcorp Genetics (formerly Invitae), Labcorp
Classification: Uncertain significance for Epileptic encephalopathy, childhood-onset. Last evaluated: 2018-10-22. Review status: criteria provided, single submitter. Criteria: Invitae Variant Classification Sherloc (09022015). Collection method: clinical testing. Allele origin: germline.
Comment: This sequence change replaces valine with methionine at codon 1128 of the CHD2 protein (p.Val1128Met). The valine residue is highly conserved and there is a small physicochemical difference between valine and methionine. This variant is present in population databases (rs776091604, ExAC 0.003%). This variant has not been reported in the literature in individuals with CHD2-related disease. Algorithms developed to predict the effect of missense changes on protein structure and function are either unavailable or do not agree on the potential impact of this missense change (SIFT: "Deleterious"; PolyPhen-2: "Benign"; Align-GVGD: "Class C15"). In summary, the available evidence is currently insufficient to determine the role of this variant in disease. Therefore, it has been classified as a Variant of Uncertain Significance.

NM_001271.4(CHD2):c.3382G>A (p.Val1128Met)

Gene: CHD2 (chromodomain helicase DNA binding protein 2; plus strand). Cytogenetic location: 15q26.1.
Variant type: single nucleotide variant.
Coding change: c.3382G>A on transcript NM_001271.4 (MANE Select); coding-DNA position 3382, G replaced by A.
Protein change: p.Val1128Met; replaces valine 1128 with methionine.
Molecular consequence: missense variant.
Genome position (GRCh38, 1-based): chr15:92,985,642, G>A. VCF-style: chr15-92985642-G-A. GRCh37 (hg19) VCF-style: chr15-93528872-G-A.
Other names: short protein forms V1128M.
Identifiers: ClinVar variation 642890 (VCV000642890.1), dbSNP rs776091604, ClinGen allele CA7748193.